The following is an entry in ClinVar:

ClinVar aggregate classification (germline): Likely benign. Review status: criteria provided, multiple submitters, no conflicts (2 of 4 stars). 2 submissions from 2 submitters: Likely benign (2). Last evaluated 2026-02-10.

Conditions:
WDPCP-related disorder. Also called: WDPCP-related condition.

gnomAD v4.1: 1 of 1,614,168 alleles (0.000062%); highest among the groups gnomAD compares: Non-Finnish European, 0.000085%; no homozygotes.

Submissions (2):

PreventionGenetics, part of Exact Sciences
Classification: Likely benign for WDPCP-related condition. Last evaluated: 2026-02-10. Review status: criteria provided, single submitter. Criteria: ACMG Guidelines, 2015. Collection method: clinical testing. Allele origin: germline.
Comment: This variant is classified as likely benign based on ACMG/AMP sequence variant interpretation guidelines (Richards et al. 2015 PMID: 25741868, with internal and published modifications).

Blueprint Genetics
Classification: Likely benign. Last evaluated: 2019-02-22. Review status: criteria provided, single submitter. Criteria: ACMG Guidelines, 2015. Collection method: clinical testing. Allele origin: germline.

NM_015910.7(WDPCP):c.1014A>G (p.Ser338=)

Gene: WDPCP (WD repeat containing planar cell polarity effector; minus strand). Cytogenetic location: 2p15.
Variant type: single nucleotide variant.
Coding change: c.1014A>G on transcript NM_015910.7 (MANE Select); coding-DNA position 1014, A replaced by G.
Protein change: p.Ser338=; no amino-acid change (serine 338 retained).
Molecular consequence: synonymous variant. On other transcripts: non-coding transcript variant (3).
Genome position (GRCh38, 1-based): chr2:63,404,469, T>C on the plus strand (A>G on the coding strand, the complement: WDPCP is on the minus strand). VCF-style: chr2-63404469-T-C. GRCh37 (hg19) VCF-style: chr2-63631604-T-C.
Other names: c.537A>G, p.Ser179= (NM_001042692.3); c.942A>G, p.Ser314= (NM_001354044.2); c.1014A>G, p.Ser338= (NM_001354045.2); c.1014A>G (NM_015910.5).
Identifiers: ClinVar variation 4955389 (VCV004955389.2).